The following is an entry in ClinVar:

NM_022726.4(ELOVL4):c.380C>T (p.Ala127Val)

Gene: ELOVL4 (ELOVL fatty acid elongase 4; minus strand). Cytogenetic location: 6q14.1.
Variant type: single nucleotide variant.
Coding change: c.380C>T on transcript NM_022726.4 (MANE Select); coding-DNA position 380, C replaced by T.
Protein change: p.Ala127Val; replaces alanine 127 with valine.
Molecular consequence: missense variant.
Genome position (GRCh38, 1-based): chr6:79,921,786, G>A on the plus strand (C>T on the coding strand, the complement: ELOVL4 is on the minus strand). VCF-style: chr6-79921786-G-A. GRCh37 (hg19) VCF-style: chr6-80631503-G-A.
Other names: short protein forms A127V.
Identifiers: ClinVar variation 3658949 (VCV003658949.2).

ClinVar aggregate classification (germline): Uncertain significance (1 of 4 stars; one submission).

Submission:

Labcorp Genetics (formerly Invitae), Labcorp
Classification: Uncertain significance. Last evaluated: 2024-07-06. Review status: criteria provided, single submitter. Criteria: Invitae Variant Classification Sherloc (09022015). Collection method: clinical testing. Allele origin: germline.
Comment: This sequence change replaces alanine, which is neutral and non-polar, with valine, which is neutral and non-polar, at codon 127 of the ELOVL4 protein (p.Ala127Val). This variant is not present in population databases (gnomAD no frequency). This variant has not been reported in the literature in individuals affected with ELOVL4-related conditions. Advanced modeling of protein sequence and biophysical properties (such as structural, functional, and spatial information, amino acid conservation, physicochemical variation, residue mobility, and thermodynamic stability) performed at Invitae indicates that this missense variant is not expected to disrupt ELOVL4 protein function with a negative predictive value of 80%. In summary, the available evidence is currently insufficient to determine the role of this variant in disease. Therefore, it has been classified as a Variant of Uncertain Significance.